The following is an entry in ClinVar:

NM_152296.5(ATP1A3):c.2401G>T (p.Asp801Tyr)

Gene: ATP1A3 (ATPase Na+/K+ transporting subunit alpha 3; minus strand). Cytogenetic location: 19q13.2.
Variant type: single nucleotide variant.
Coding change: c.2401G>T on transcript NM_152296.5 (MANE Select); coding-DNA position 2401, G replaced by T.
Protein change: p.Asp801Tyr; replaces aspartic acid 801 with tyrosine.
Molecular consequence: missense variant.
Genome position (GRCh38, 1-based): chr19:41,970,405, C>A on the plus strand (G>T on the coding strand, the complement: ATP1A3 is on the minus strand). VCF-style: chr19-41970405-C-A. GRCh37 (hg19) VCF-style: chr19-42474557-C-A.
Other names: c.2434G>T, p.Asp812Tyr (NM_001256213.2); c.2440G>T, p.Asp814Tyr (NM_001256214.2); short protein forms D801Y, D812Y, D814Y.
Identifiers: ClinVar variation 12914 (VCV000012914.7), dbSNP rs80356537, ClinGen allele CA341238.

ClinVar aggregate classification (germline): Pathogenic. Review status: criteria provided, single submitter (1 of 4 stars). 2 submissions from 2 submitters: Pathogenic (1). 1 of the submissions does not count toward it. Last evaluated 2022-12-16.

Conditions:
Dystonia 12 (DYT12). Also called: Rapid-Onset Dystonia-Parkinsonism (RDP); DYT-ATP1A3. Identifiers: Orphanet 71517, MedGen C1868681, MONDO:0007496, OMIM 128235.

Submissions (2):

Labcorp Genetics (formerly Invitae), Labcorp
Classification: Pathogenic for Dystonia 12. Last evaluated: 2022-12-16. Review status: criteria provided, single submitter. Criteria: Invitae Variant Classification Sherloc (09022015). Collection method: clinical testing. Allele origin: germline.
Comment: Experimental studies have shown that this missense change affects ATP1A3 function (PMID: 27549929, 32653672). For these reasons, this variant has been classified as Pathogenic. This variant disrupts the p.Asp801 amino acid residue in ATP1A3. Other variant(s) that disrupt this residue have been determined to be pathogenic (PMID: 24100174, 26410222). This suggests that this residue is clinically significant, and that variants that disrupt this residue are likely to be disease-causing. Advanced modeling of protein sequence and biophysical properties (such as structural, functional, and spatial information, amino acid conservation, physicochemical variation, residue mobility, and thermodynamic stability) performed at Invitae indicates that this missense variant is expected to disrupt ATP1A3 protein function. ClinVar contains an entry for this variant (Variation ID: 12914). This missense change has been observed in individual(s) with rapid-onset dystonia-parkinsonism (PMID: 9109901, 15260953). It has also been observed to segregate with disease in related individuals. This variant is not present in population databases (gnomAD no frequency). This sequence change replaces aspartic acid, which is acidic and polar, with tyrosine, which is neutral and polar, at codon 801 of the ATP1A3 protein (p.Asp801Tyr).

OMIM
Classification: Pathogenic for DYSTONIA 12. Last evaluated: 2004-07-22. Review status: no assertion criteria provided. Collection method: literature only. Allele origin: germline. Not counted in ClinVar's aggregate classification.

Literature cited by the submitters: PubMed 27549929 (cited by Labcorp Genetics (formerly Invitae), Labcorp); PubMed 32653672 (cited by Labcorp Genetics (formerly Invitae), Labcorp); PubMed 24100174 (cited by Labcorp Genetics (formerly Invitae), Labcorp); PubMed 26410222 (cited by Labcorp Genetics (formerly Invitae), Labcorp); PubMed 9109901 (cited by Labcorp Genetics (formerly Invitae), Labcorp and OMIM); PubMed 15260953 (cited by Labcorp Genetics (formerly Invitae), Labcorp and OMIM).